The following is an entry in ClinVar:

NM_001079.4(ZAP70):c.1289+4A>G

Gene: ZAP70 (zeta chain of T cell receptor associated protein kinase 70; plus strand). Cytogenetic location: 2q11.2.
Variant type: single nucleotide variant.
Coding change: c.1289+4A>G on transcript NM_001079.4 (MANE Select); 4 bases into the intron after coding-DNA position 1289, A replaced by G.
Molecular consequence: intron variant.
Genome position (GRCh38, 1-based): chr2:97,735,460, A>G. VCF-style: chr2-97735460-A-G. GRCh37 (hg19) VCF-style: chr2-98351923-A-G.
Other names: c.1289+4A>G (NM_001378594.1); c.368+4A>G (NM_207519.2).
Identifiers: ClinVar variation 538569 (VCV000538569.9), dbSNP rs1553576289, ClinGen allele CA658795833.
Genomic context (GRCh38, chr2:97,735,460, plus strand): 5'-GCTGGTCATGGAGATGGCTGGGGGCGGGCCGCTGCACAAGTTCCTGGTCGGCAAGAGGTG[A>G]GCACCGGGTGGGCCCGGCCATCGGGTGGGTGGGGCCGGGGCCCATCCTGGGCATGGTGGA-3'

ClinVar aggregate classification (germline): Uncertain significance (1 of 4 stars; one submission).

Conditions:
Combined immunodeficiency due to ZAP70 deficiency (IMD48). Also called: Immunodeficiency 48; ZAP70 Deficiency. Identifiers: Orphanet 911, MedGen C2931299, MONDO:0010023, OMIM 269840.

Allele frequency attached by ClinVar (database versions not stated): gnomAD exomes below 0.00001.
gnomAD v4.1: 1 of 1,607,222 alleles (0.000062%); highest among the groups gnomAD compares: Non-Finnish European, 0.000085%; no homozygotes.

Submission:

Labcorp Genetics (formerly Invitae), Labcorp
Classification: Uncertain significance for Combined immunodeficiency due to ZAP70 deficiency. Last evaluated: 2023-08-30. Review status: criteria provided, single submitter. Criteria: Invitae Variant Classification Sherloc (09022015). Collection method: clinical testing. Allele origin: germline.
Comment: This sequence change falls in intron 10 of the ZAP70 gene. It does not directly change the encoded amino acid sequence of the ZAP70 protein. It affects a nucleotide within the consensus splice site. This variant is not present in population databases (gnomAD no frequency). This variant has not been reported in the literature in individuals affected with ZAP70-related conditions. ClinVar contains an entry for this variant (Variation ID: 538569). Variants that disrupt the consensus splice site are a relatively common cause of aberrant splicing (PMID: 17576681, 9536098). Algorithms developed to predict the effect of sequence changes on RNA splicing suggest that this variant is not likely to affect RNA splicing. In summary, the available evidence is currently insufficient to determine the role of this variant in disease. Therefore, it has been classified as a Variant of Uncertain Significance.

Literature cited by the submitters: PubMed 17576681; PubMed 9536098.